The following is an entry in ClinVar:

ClinVar aggregate classification (germline): Uncertain significance (1 of 4 stars; one submission).

gnomAD v4.1: 1 of 1,383,072 alleles (0.000072%); highest among the groups gnomAD compares: Non-Finnish European, 0.000094%; no homozygotes.

Submission:

GeneDx
Classification: Uncertain significance. Last evaluated: 2017-11-16. Review status: criteria provided, single submitter. Criteria: GeneDx Variant Classification (06012015). Collection method: clinical testing. Allele origin: germline. Affected: yes.
Comment: The A712V variant has not been published as a pathogenic variant, nor has it been reported as a benign variant to our knowledge. The A712V variant is not observed in large population cohorts (Lek et al., 2016). The A712V variant is a conservative amino acid substitution, which is not likely to impact secondary protein structure as these residues share similar properties. In-silico analyses, including protein predictors and evolutionary conservation, support that this variant does not alter protein structure/function. Based on the currently available information, it is unclear whether this variant is a pathogenic variant or a rare benign variant.

NM_004333.6(BRAF):c.2135C>T (p.Ala712Val)

Gene: BRAF (B-Raf proto-oncogene, serine/threonine kinase; minus strand). Cytogenetic location: 7q34.
Variant type: single nucleotide variant.
Coding change: c.2135C>T on transcript NM_004333.6 (MANE Select); coding-DNA position 2135, C replaced by T.
Protein change: p.Ala712Val; replaces alanine 712 with valine.
Molecular consequence: missense variant. On other transcripts: intron variant (2).
Genome position (GRCh38, 1-based): chr7:140,734,763, G>A on the plus strand (C>T on the coding strand, the complement: BRAF is on the minus strand). VCF-style: chr7-140734763-G-A. GRCh37 (hg19) VCF-style: chr7-140434563-G-A.
Other names: c.2135C>T, p.Ala712Val (NM_001354609.2); c.2255C>T, p.Ala752Val (NM_001374244.1, NM_001374258.1); c.2144C>T, p.Ala715Val (NM_001378467.1); c.2069C>T, p.Ala690Val (NM_001378469.1); c.2033C>T, p.Ala678Val (NM_001378470.1); c.2024C>T, p.Ala675Val (NM_001378471.1); c.1979C>T, p.Ala660Val (NM_001378472.1, NM_001378473.1); c.1871C>T, p.Ala624Val (NM_001378475.1); and 1 more; short protein forms A712V, A624V, A660V, A675V, A678V, A690V, A715V, A752V.
Identifiers: ClinVar variation 561693 (VCV000561693.1), dbSNP rs727502904, ClinGen allele CA369537385.